The following is an entry in ClinVar:

NM_138813.4(ATP8B3):c.440C>T (p.Ser147Leu)

Gene: ATP8B3 (ATPase phospholipid transporting 8B3; minus strand). Cytogenetic location: 19p13.3.
Variant type: single nucleotide variant.
Coding change: c.440C>T on transcript NM_138813.4 (MANE Select); coding-DNA position 440, C replaced by T.
Protein change: p.Ser147Leu; replaces serine 147 with leucine.
Molecular consequence: missense variant. On other transcripts: non-coding transcript variant (1).
Genome position (GRCh38, 1-based): chr19:1,808,298, G>A on the plus strand (C>T on the coding strand, the complement: ATP8B3 is on the minus strand). VCF-style: chr19-1808298-G-A. GRCh37 (hg19) VCF-style: chr19-1808297-G-A.
Other names: c.281C>T, p.Ser94Leu (NM_001178002.3); short protein forms S94L, S147L.
Identifiers: ClinVar variation 2300546 (VCV002300546.3), dbSNP rs759682278, ClinGen allele CA9052286.

ClinVar aggregate classification (germline): Uncertain significance. Review status: criteria provided, multiple submitters, no conflicts (2 of 4 stars). 2 submissions from 2 submitters: Uncertain significance (2). Last evaluated 2026-07-01.

Allele frequency attached by ClinVar (database versions not stated): ExAC 0.00003.
gnomAD v4.1: 18 of 1,612,924 alleles (0.0011%); highest among the groups gnomAD compares: East Asian, 0.0067%; no homozygotes.

Submissions (2):

CeGaT Center for Human Genetics Tuebingen
Classification: Uncertain significance. Last evaluated: 2026-07-01. Review status: criteria provided, single submitter. Criteria: CeGaT Center For Human Genetics Tuebingen Variant Classification Criteria Version 2. Collection method: clinical testing. Allele origin: germline. Affected: yes. Observed: 1 variant allele.
Comment: ATP8B3: PM2

Ambry Genetics
Classification: Uncertain significance. Last evaluated: 2022-07-12. Review status: criteria provided, single submitter. Criteria: Ambry Variant Classification Scheme 2023. Collection method: clinical testing. Allele origin: germline.